The following is an entry in ClinVar:

NM_000053.4(ATP7B):c.3895C>T (p.Leu1299Phe)

Gene: ATP7B (ATPase copper transporting beta; minus strand). Cytogenetic location: 13q14.3.
Variant type: single nucleotide variant.
Coding change: c.3895C>T on transcript NM_000053.4 (MANE Select); coding-DNA position 3895, C replaced by T.
Protein change: p.Leu1299Phe; replaces leucine 1299 with phenylalanine.
Molecular consequence: missense variant.
Genome position (GRCh38, 1-based): chr13:51,937,484, G>A on the plus strand (C>T on the coding strand, the complement: ATP7B is on the minus strand). VCF-style: chr13-51937484-G-A. GRCh37 (hg19) VCF-style: chr13-52511620-G-A.
Other names: c.3274C>T, p.Leu1092Phe (NM_001005918.3); c.3562C>T, p.Leu1188Phe (NM_001243182.2); c.3661C>T, p.Leu1221Phe (NM_001330578.2); c.3643C>T, p.Leu1215Phe (NM_001330579.2); short protein forms L1299F, L1221F, L1092F, L1188F, L1215F.
Identifiers: ClinVar variation 189149 (VCV000189149.31), dbSNP rs749472361, ClinGen allele CA274423.
Genomic context (GRCh38, chr13:51,937,484, plus strand): 5'-GGTCTGCCCATTGCCCTCCCAGCACCCACAGCCTGGCTGCAGCCACGCTCACTCTGATAA[G>A]GACGACGTCGGCTGCCTCGATGGCCACATCCGTGCCGGTGCCAATGGCCACACCCATGTC-3'
Protein context (NP_000044.2, residues 1289-1309): DVAIEAADVV[Leu1299Phe]IRNDLLDVVA

ClinVar aggregate classification (germline): Pathogenic/Likely pathogenic. Review status: criteria provided, multiple submitters, no conflicts (2 of 4 stars). 14 submissions from 14 submitters: Pathogenic (8); Likely pathogenic (4). 2 of the submissions do not count toward it. Last evaluated 2026-02-20.

Conditions:
ATP7B-related disorder. Also called: ATP7B-related condition.
Wilson disease (WND). Also called: Wilson's disease. Identifiers: Orphanet 905, MedGen C0019202, MONDO:0010200, OMIM 277900. Disease mechanism: loss of function.

Allele frequency attached by ClinVar (database versions not stated): TOPMed below 0.00001; ExAC 0.00005.
gnomAD v4.1: 23 of 1,614,052 alleles (0.0014%); highest among the groups gnomAD compares: South Asian, 0.024%; no homozygotes.

Submissions (14):

GeneDx
Classification: Likely pathogenic. Last evaluated: 2026-02-20. Review status: criteria provided, single submitter. Criteria: GeneDx Variant Classification Process June 2021. Collection method: clinical testing. Allele origin: germline.
Comment: In silico analysis supports that this missense variant has a deleterious effect on protein structure/function; This variant is associated with the following publications: (PMID: 17264425, 22692182, 27022412, 17823867, 23235335, 40661833, 23551039, 24094725, 39502306, 35535059, 40761701, 41536511, 39933775, 36096368, 39535360, 31059521, Hashemi2025[paper])

Color Diagnostics, LLC DBA Color Health
Classification: Pathogenic for Wilson disease. Last evaluated: 2025-09-18. Review status: criteria provided, single submitter. Criteria: ACMG Guidelines, 2015. Collection method: clinical testing. Allele origin: germline.
Comment: This missense variant replaces leucine with phenylalanine at codon 1299 of the ATP7B protein. Computational prediction suggests that this variant may have deleterious impact on protein structure and function. To our knowledge, functional studies have not been reported for this variant. This variant has been observed in individuals affected with autosomal recessive Wilson disease (PMID: 17264425, 23551039, 24094725), including a number of cases where this variant was confirmed to be in homozygosity or in compound heterozygosity with a second pathogenic variant. This variant has been identified in 9/249420 chromosomes in the general population by the Genome Aggregation Database (gnomAD). Based on the available evidence, this variant is classified as Pathogenic.

Natera, Inc.
Classification: Pathogenic for Wilson disease. Last evaluated: 2025-06-18. Review status: criteria provided, single submitter. Criteria: Natera Variant Classification Schema (03/2026). Collection method: clinical testing. Allele origin: germline.
Comment: The c.3895C>T variant in ATP7B is a missense variant predicted to cause substitution of leucine to phenylalanine at amino acid 1299. This variant is rare in the general population with a frequency below the threshold expected for the associated phenotype(s). This variant has been observed in one or more individuals affected with the associated recessive disease, as either homozygous or compound heterozygous with a second variant (PMID: 24094725). Computational prediction algorithms indicate this variant is likely to affect gene or protein function. Given the available evidence, this variant is classified as Pathogenic.

First Genomix Gene Laboratory, Genetic Diagnostics Department
Classification: Pathogenic for Wilson disease. Last evaluated: 2025-05-19. Review status: criteria provided, single submitter. Criteria: ACMG Guidelines, 2015. Collection method: clinical testing. Allele origin: germline. Inheritance: Autosomal recessive inheritance. Affected: no. Observed: 1 variant allele.

Labcorp Genetics (formerly Invitae), Labcorp
Classification: Pathogenic for Wilson disease. Last evaluated: 2025-03-03. Review status: criteria provided, single submitter. Criteria: Invitae Variant Classification Sherloc (09022015). Collection method: clinical testing. Allele origin: germline.
Comment: This sequence change replaces leucine, which is neutral and non-polar, with phenylalanine, which is neutral and non-polar, at codon 1299 of the ATP7B protein (p.Leu1299Phe). This variant is present in population databases (rs749472361, gnomAD 0.03%). This missense change has been observed in individual(s) with Kayser-Fleischer rings and plasma ceruloplasmin <= 20 mg/dL, findings that are highly specific for Wilson disease (PMID: 24094725). ClinVar contains an entry for this variant (Variation ID: 189149). Invitae Evidence Modeling of protein sequence and biophysical properties (such as structural, functional, and spatial information, amino acid conservation, physicochemical variation, residue mobility, and thermodynamic stability) indicates that this missense variant is expected to disrupt ATP7B protein function with a positive predictive value of 80%. For these reasons, this variant has been classified as Pathogenic.

Institute of Medical Genetics and Applied Genomics, University Hospital Tübingen
Classification: Pathogenic for Wilson disease. Last evaluated: 2025-02-03. Review status: criteria provided, single submitter. Criteria: ACMG Guidelines, 2015. Collection method: clinical testing. Allele origin: germline. Inheritance: Autosomal recessive inheritance. Affected: yes.

Revvity Omics, Revvity
Classification: Likely pathogenic for Wilson disease. Last evaluated: 2024-09-05. Review status: criteria provided, single submitter. Criteria: ACMG Guidelines, 2015. Collection method: clinical testing. Allele origin: germline.

Women's Health and Genetics/Laboratory Corporation of America, LabCorp
Classification: Pathogenic for Wilson disease. Last evaluated: 2022-07-22. Review status: criteria provided, single submitter. Criteria: LabCorp Variant Classification Summary - May 2015. Collection method: clinical testing. Allele origin: germline.
Comment: Variant summary: ATP7B c.3895C>T (p.Leu1299Phe) results in a non-conservative amino acid change located in the P-type ATPase, haloacid dehalogenase domain (IPR044492) of the encoded protein sequence. Five of five in-silico tools predict a damaging effect of the variant on protein function. The variant allele was found at a frequency of 3.6e-05 in 249420 control chromosomes (gnomAD). c.3895C>T has been reported in the literature in multiple homozygous and compound heterozygous individuals affected with Wilson Disease (examples: Mukherjee_2014 and Aggarwal_2013). These data indicate that the variant is very likely to be associated with disease. Five clinical diagnostic laboratories have submitted clinical-significance assessments for this variant to ClinVar after 2014 and all classified the variant as pathogenic (n=3)/likely pathogenic (n=2). Based on the evidence outlined above, the variant was classified as pathogenic.

Fulgent Genetics
Classification: Likely pathogenic for Wilson disease. Last evaluated: 2021-11-21. Review status: criteria provided, single submitter. Criteria: ACMG Guidelines, 2015. Collection method: clinical testing. Allele origin: unknown.

Genome-Nilou Lab
Classification: Pathogenic for Wilson disease. Last evaluated: 2021-08-10. Review status: criteria provided, single submitter. Criteria: ACMG Guidelines, 2015. Collection method: clinical testing. Allele origin: germline. Affected: no.

Genetics and Genomic Medicine Centre, NeuroGen Healthcare, NeuroGen Healthcare
Classification: Pathogenic for Wilson disease. Last evaluated: 2020-08-27. Review status: criteria provided, single submitter. Criteria: Submitter's publication. Collection method: clinical testing. Allele origin: unknown. Affected: no.

Neuberg Centre For Genomic Medicine, NCGM
Classification: Likely pathogenic for Wilson disease. Review status: criteria provided, single submitter. Criteria: ACMG Guidelines, 2015. Collection method: clinical testing. Allele origin: germline. Inheritance: Autosomal recessive inheritance. Affected: yes.
Comment: The missense variant p.L1299F in ATP7B (NM_000053.4) causes the same amino acid change as a previously established pathogenic variant. The p.L1299F variant is observed in 9/30,602 (0.0294%) alleles from individuals of South Asian background in gnomAD Exomes and is novel (not in any individuals) in 1000 Genomes. The p.L1299F missense variant is predicted to be damaging by both SIFT and PolyPhen2. The nucleotide c.3895 in ATP7B is predicted conserved by GERP++ and PhyloP across 100 vertebrates. For these reasons, this variant has been classified as Likely Pathogenic.

PreventionGenetics, part of Exact Sciences
Classification: Pathogenic for ATP7B-related condition. Last evaluated: 2024-03-22. Review status: no assertion criteria provided. Collection method: clinical testing. Allele origin: germline. Not counted in ClinVar's aggregate classification.
Comment: The ATP7B c.3895C>T variant is predicted to result in the amino acid substitution p.Leu1299Phe. This variant has been reported in both the homozygous and stated compound heterozygous state in individuals, particularly of Indian descent, with Wilson disease (Santhosh et al. 2006. PubMed ID: 17264425; Mukherjee et al. 2013. PubMed ID: 24094725; Aggarwal et al. 2013. PubMed ID: 23551039; Nayagam et al. 2022. PubMed ID: 36096368). This variant is reported in 0.029% of alleles in individuals of South Asian descent in gnomAD and has been consistently interpreted as pathogenic and likely pathogenic by other laboratories in the ClinVar database. Additionally, a different missense change impacting the same amino acid (c.3896T>G, p.Leu1299Arg) was observed in an individual from a Wilson disease cohort study (Table 2, Dong et al. 2016. PubMed ID: 27022412). Taken together, this variant is interpreted as pathogenic.

Counsyl
Classification: Likely pathogenic for Wilson's disease. Last evaluated: 2015-01-22. Review status: no assertion criteria provided. Collection method: literature only. Allele origin: unknown. Inheritance: Autosomal recessive inheritance. Not counted in ClinVar's aggregate classification.

Literature cited by the submitters: PubMed 17264425 (cited by Color Diagnostics, LLC DBA Color Health and Counsyl); PubMed 23551039 (cited by 3 submitters); PubMed 24094725 (cited by 5 submitters).